The following is an entry in ClinVar:

ClinVar aggregate classification (germline): Benign (1 of 4 stars; one submission).

Conditions:
Glycogen storage disease type III (GSD3). Also called: FORBES DISEASE; Cori disease. Identifiers: Orphanet 366, MedGen C0017922, MONDO:0009291, OMIM 232400.

Allele frequency attached by ClinVar (database versions not stated): gnomAD 0.01047 and 0.01120; TOPMed 0.01175; 1000 Genomes Project 0.01218; 1000 Genomes Project 30x 0.01296.

Submission:

Illumina Laboratory Services, Illumina
Classification: Benign for Glycogen storage disease type III. Last evaluated: 2018-01-13. Review status: criteria provided, single submitter. Criteria: ICSL Variant Classification Criteria 13 December 2019. Collection method: clinical testing. Allele origin: germline.
Comment: This variant was observed in the ICSL laboratory as part of a predisposition screen in an ostensibly healthy population. It had not been previously curated by ICSL or reported in the Human Gene Mutation Database (HGMD: prior to June 1st, 2018), and was therefore a candidate for classification through an automated scoring system. Utilizing variant allele frequency, disease prevalence and penetrance estimates, and inheritance mode, an automated score was calculated to assess if this variant is too frequent to cause the disease. Based on the score and internal cut-off values, a variant classified as benign is not then subjected to further curation. The score for this variant resulted in a classification of benign for this disease.

NM_000642.3(AGL):c.*1244T>A

Gene: AGL (amylo-alpha-1,6-glucosidase and 4-alpha-glucanotransferase; plus strand). Cytogenetic location: 1p21.2.
Variant type: single nucleotide variant.
Coding change: c.*1244T>A on transcript NM_000642.3 (MANE Select); 1244 bases downstream of the stop codon, T replaced by A.
Molecular consequence: 3 prime UTR variant.
Genome position (GRCh38, 1-based): chr1:99,922,895, T>A. VCF-style: chr1-99922895-T-A. GRCh37 (hg19) VCF-style: chr1-100388451-T-A.
Other names: c.*1244T>A (NM_000028.3, NM_000643.3, NM_000644.3 and 7 more transcripts).
Identifiers: ClinVar variation 291366 (VCV000291366.5), dbSNP rs72963791, ClinGen allele CA10611795.